The following is an entry in ClinVar:

ClinVar aggregate classification (germline): Pathogenic/Likely pathogenic. Review status: criteria provided, multiple submitters, no conflicts (2 of 4 stars). 3 submissions from 3 submitters: Pathogenic (2); Likely pathogenic (1). Last evaluated 2024-07-30.

Conditions:
Inborn genetic diseases. Identifiers: MedGen C0950123, MeSH D030342.
Glucocorticoid deficiency 1 (GCCD1). Also called: Adrenal unresponsiveness to acth; FAMILIAL GLUCOCORTICOID DEFICIENCY 1; Glucocorticoid deficiency, due to ACTH unresponsiveness. Identifiers: Orphanet 361, MedGen C4049650, MONDO:0024536, OMIM 202200.
MC2R-related disorders.

Allele frequency attached by ClinVar (database versions not stated): gnomAD 0.00001; ExAC 0.00004; TOPMed 0.00005.
gnomAD v4.1: 35 of 1,613,968 alleles (0.0022%); highest among the groups gnomAD compares: South Asian, 0.016%; no homozygotes.

Submissions (3):

Ambry Genetics
Classification: Pathogenic for Inborn genetic diseases. Last evaluated: 2024-07-30. Review status: criteria provided, single submitter. Criteria: Ambry Variant Classification Scheme 2023. Collection method: clinical testing. Allele origin: germline.
Comment: The c.437G>A (p.R146H) alteration is located in exon 2 (coding exon 1) of the MC2R gene. This alteration results from a G to A substitution at nucleotide position 437, causing the arginine (R) at amino acid position 146 to be replaced by a histidine (H). Based on data from gnomAD, the A allele has an overall frequency of 0.003% (8/251304) total alleles studied. The highest observed frequency was 0.013% (4/30614) of South Asian alleles. This variant has been identified in the homozygous state and/or in conjunction with other MC2R variant(s) in individual(s) with features consistent with MC2R-related glucocorticoid deficiency (Weber, 1995; Slavotinek, 1998; Lin, 2007; Capalbo, 2021). This amino acid position is highly conserved in available vertebrate species. In multiple assays testing MC2R function, this variant showed functionally abnormal results (Elias, 1999; Chung, 2008). This alteration is predicted to be deleterious by in silico analysis. Based on the available evidence, this alteration is classified as pathogenic.

Blueprint Genetics
Classification: Pathogenic for MC2R-related disorders. Last evaluated: 2022-03-07. Review status: criteria provided, single submitter. Criteria: ACMG Guidelines, 2015. Collection method: clinical testing. Allele origin: germline. Affected: yes. Observed: 2 variant alleles.

Illumina Laboratory Services, Illumina
Classification: Likely pathogenic for Glucocorticoid deficiency 1. Last evaluated: 2018-09-19. Review status: criteria provided, single submitter. Criteria: ICSL Variant Classification Criteria 09 May 2019. Collection method: clinical testing. Allele origin: germline.
Comment: Functional studies demonstrated that the p.Arg146His variant protein shows a significant reduction in cell surface expression and intracellular retention in the endoplasmic reticulum compared to wild type and is considered to be a trafficking-defect variant (Chung et al. 2008). The variant also resulted in a significant loss of maximal ACTH-stimulated activity and a loss of high-affinity binding to ACTH (Elias et al. 1999). The Arg146 residue is conserved. The highest reported frequency for this variant is 0.000242 from the South Asian population of the Exome Aggregation Consortium. Based on the available evidence, the p.Arg146His variant is classified as likely pathogenic for glucocorticoid deficiency. This variant was observed by ICSL as part of a predisposition screen in an ostensibly healthy population.

Literature cited by the submitters: PubMed 7829641 (cited by Ambry Genetics and Illumina Laboratory Services, Illumina); PubMed 9550364 (cited by Ambry Genetics); PubMed 10443676 (cited by Ambry Genetics and Illumina Laboratory Services, Illumina); PubMed 17223989 (cited by Ambry Genetics and Illumina Laboratory Services, Illumina); PubMed 18840636 (cited by Ambry Genetics and Illumina Laboratory Services, Illumina); PubMed 33247909 (cited by Ambry Genetics); PubMed 17128565 (cited by Illumina Laboratory Services, Illumina).

NM_000529.2(MC2R):c.437G>A (p.Arg146His)

Gene: MC2R (melanocortin 2 receptor; minus strand). Cytogenetic location: 18p11.21.
Variant type: single nucleotide variant.
Coding change: c.437G>A on transcript NM_000529.2 (MANE Select); coding-DNA position 437, G replaced by A.
Protein change: p.Arg146His; replaces arginine 146 with histidine.
Molecular consequence: missense variant.
Genome position (GRCh38, 1-based): chr18:13,885,082, C>T on the plus strand (G>A on the coding strand, the complement: MC2R is on the minus strand). VCF-style: chr18-13885082-C-T. GRCh37 (hg19) VCF-style: chr18-13885081-C-T.
Other names: c.437G>A, p.Arg146His (NM_001291911.1); short protein forms R146H.
Identifiers: ClinVar variation 631794 (VCV000631794.6), dbSNP rs758709668, ClinGen allele CA8902477.
Genomic context (GRCh38, chr18:13,885,082, plus strand): 5'-ACCATGGTGATGCCAGTCCCCGTGCAGAACGTCCAGATGACCGTAAGCACCACCACAGTG[C>T]GGCGCATGGTCACGATGCTGTGGTACCGCAGTGCGTGGAAGATGGTGATGTAGCGGTCCG-3'
Protein context (NP_000520.1, residues 136-156): LRYHSIVTMR[Arg146His]TVVVLTVIWT